The following is an entry in ClinVar:

NC_012920.1(MT-ND4):m.11167A>G

Gene: MT-ND4 (mitochondrially encoded NADH dehydrogenase 4; plus strand).
Variant type: single nucleotide variant.
Genome position: chrM-11167-A-G.
Identifiers: ClinVar variation 235673 (VCV000235673.3), dbSNP rs377109096, ClinGen allele CA10581397.

ClinVar aggregate classification (germline): Likely benign (1 of 4 stars; one submission).

Submission:

Center for Pediatric Genomic Medicine, Children's Mercy Hospital and Clinics
Classification: Likely benign. Last evaluated: 2015-09-25. Review status: criteria provided, single submitter. Criteria: ACMG Guidelines, 2015. Collection method: clinical testing. Allele origin: germline.
ClinVar note: Converted during submission from Likely Benign to Likely benign.